The following is an entry in ClinVar:

ClinVar aggregate classification (germline): Uncertain significance (1 of 4 stars; one submission).

Submission:

Seattle Children's Hospital Molecular Genetics Laboratory, Seattle Children's Hospital
Classification: Uncertain significance. Last evaluated: 2020-12-21. Review status: criteria provided, single submitter. Criteria: ACMG Guidelines, 2015. Collection method: clinical testing. Allele origin: germline. Affected: yes.
Comment: This variant is predicted to substitute the threonine at codon 716 with isoleucine. Missense changes at this residue have not been observed in large population cohorts (Genome Aggregation Database). The threonine at position 716 is highly evolutionarily conserved, and multiple computational tools support a deleterious effect. However, codon 716 lies outside of domains (helical and kinase) more commonly mutated in PIK3CA related overgrowth spectrum. PIK3CA mutations have not been reported in individuals with isolated AVMs.

NM_006218.4(PIK3CA):c.2147C>T (p.Thr716Ile)

Gene: PIK3CA (phosphatidylinositol-4,5-bisphosphate 3-kinase catalytic subunit alpha; plus strand). Cytogenetic location: 3q26.32.
Variant type: single nucleotide variant.
Coding change: c.2147C>T on transcript NM_006218.4 (MANE Select); coding-DNA position 2147, C replaced by T.
Protein change: p.Thr716Ile; replaces threonine 716 with isoleucine.
Molecular consequence: missense variant.
Genome position (GRCh38, 1-based): chr3:179,221,117, C>T. VCF-style: chr3-179221117-C-T. GRCh37 (hg19) VCF-style: chr3-178938905-C-T.
Other names: short protein forms T716I.
Identifiers: ClinVar variation 1691390 (VCV001691390.2), dbSNP rs2108413765, ClinGen allele CA355269044.